The following is an entry in ClinVar:

NM_001330260.2(SCN8A):c.4704G>C (p.Glu1568Asp)

Gene: SCN8A (sodium voltage-gated channel alpha subunit 8; plus strand). Cytogenetic location: 12q13.13.
Variant type: single nucleotide variant.
Coding change: c.4704G>C on transcript NM_001330260.2 (MANE Select); coding-DNA position 4704, G replaced by C.
Protein change: p.Glu1568Asp; replaces glutamic acid 1568 with aspartic acid.
Molecular consequence: missense variant.
Genome position (GRCh38, 1-based): chr12:51,794,550, G>C. VCF-style: chr12-51794550-G-C. GRCh37 (hg19) VCF-style: chr12-52188334-G-C.
Other names: c.4581G>C, p.Glu1527Asp (NM_001177984.3, NM_001369788.1); c.4704G>C, p.Glu1568Asp (NM_014191.4); short protein forms E1527D, E1568D.
Identifiers: ClinVar variation 3773649 (VCV003773649.2).

ClinVar aggregate classification (germline): Uncertain significance (1 of 4 stars; one submission).

Conditions:
Developmental and epileptic encephalopathy, 13 (DEE13). Also called: Early infantile epileptic encephalopathy 13; Developmental and Epileptic Encephalopathy (SCN8A-DEE); SCN8A-Related Epilepsy. Identifiers: Orphanet 442835, MedGen C3281191, MONDO:0013801, OMIM 614558.

Submission:

Institute of Human Genetics, University of Leipzig Medical Center
Classification: Uncertain significance for Developmental and epileptic encephalopathy, 13. Last evaluated: 2025-03-04. Review status: criteria provided, single submitter. Criteria: ACMG Guidelines, 2015. Collection method: clinical testing. Allele origin: unknown. Affected: yes.
Comment: Criteria applied: PM2,PP2,PP3